The following is an entry in ClinVar:

ClinVar aggregate classification (germline): Likely benign (1 of 4 stars; one submission).

Allele frequency attached by ClinVar (database versions not stated): gnomAD exomes below 0.00001.
gnomAD v4.1: 1 of 1,614,158 alleles (0.000062%); highest among the groups gnomAD compares: Non-Finnish European, 0.000085%; no homozygotes.

Submission:

GeneDx
Classification: Likely benign. Last evaluated: 2016-12-01. Review status: criteria provided, single submitter. Criteria: GeneDx Variant Classification (06012015). Collection method: clinical testing. Allele origin: germline. Affected: yes.
Comment: This variant is considered likely benign or benign based on one or more of the following criteria: it is a conservative change, it occurs at a poorly conserved position in the protein, it is predicted to be benign by multiple in silico algorithms, and/or has population frequency not consistent with disease.

NM_152490.5(B3GALNT2):c.1470G>C (p.Arg490=)

Genes: B3GALNT2 (beta-1,3-N-acetylgalactosaminyltransferase 2; minus strand), TBCE (tubulin folding cofactor E; plus strand). Cytogenetic location: 1q42.3.
Variant type: single nucleotide variant.
Coding change: c.1470G>C on transcript NM_152490.5 (MANE Select); coding-DNA position 1470, G replaced by C.
Protein change: p.Arg490=; no amino-acid change (arginine 490 retained).
Molecular consequence: synonymous variant. On other transcripts: 3 prime UTR variant (4).
Genome position (GRCh38, 1-based): chr1:235,450,239, C>G on the plus strand (G>C on the coding strand, the complement: B3GALNT2 is on the minus strand). VCF-style: chr1-235450239-C-G. GRCh37 (hg19) VCF-style: chr1-235613554-C-G.
Other names: c.*1477C>G (NM_001079515.3, NM_001287801.2, NM_001287802.2 and 1 more transcripts).
Identifiers: ClinVar variation 391410 (VCV000391410.1), dbSNP rs1057524072, ClinGen allele CA16603586.